The following is an entry in ClinVar:

ClinVar aggregate classification (germline): Likely benign (1 of 4 stars; one submission).

Conditions:
Fanconi anemia complementation group C (FANCC). Also called: FANCONI PANCYTOPENIA, TYPE 3; FACC; Fanconi anemia, group C; FANCC-Related Fanconi Anemia. Identifiers: Orphanet 84, MedGen C3468041, MONDO:0009213, OMIM 227645.

Allele frequency attached by ClinVar (database versions not stated): gnomAD 0.00073; TOPMed 0.00080; 1000 Genomes Project 30x 0.00265; 1000 Genomes Project 0.00339.
gnomAD v4.1: 264 of 241,118 alleles (0.11%); highest among the groups gnomAD compares: South Asian, 1.2%; 1 homozygote.

Submission:

Illumina Laboratory Services, Illumina
Classification: Likely benign for Fanconi anemia complementation group C. Last evaluated: 2018-01-12. Review status: criteria provided, single submitter. Criteria: ICSL Variant Classification Criteria 13 December 2019. Collection method: clinical testing. Allele origin: germline.
Comment: This variant was observed in the ICSL laboratory as part of a predisposition screen in an ostensibly healthy population. It had not been previously curated by ICSL or reported in the Human Gene Mutation Database (HGMD: prior to June 1st, 2018), and was therefore a candidate for classification through an automated scoring system. Utilizing variant allele frequency, disease prevalence and penetrance estimates, and inheritance mode, an automated score was calculated to assess if this variant is too frequent to cause the disease. Based on the score and internal cut-off values, a variant classified as likely benign is not then subjected to further curation. The score for this variant resulted in a classification of likely benign for this disease.

NM_000136.3(FANCC):c.*593C>G

Genes: AOPEP (aminopeptidase O (putative); plus strand), FANCC (FA complementation group C; minus strand). Cytogenetic location: 9q22.32.
Variant type: single nucleotide variant.
Coding change: c.*593C>G on transcript NM_000136.3 (MANE Select); 593 bases downstream of the stop codon, C replaced by G.
Molecular consequence: 3 prime UTR variant.
Genome position (GRCh38, 1-based): chr9:95,101,114, G>C on the plus strand (C>G on the coding strand, the complement: FANCC is on the minus strand). VCF-style: chr9-95101114-G-C. GRCh37 (hg19) VCF-style: chr9-97863396-G-C.
Other names: c.*593C>G (NM_001243743.2).
Identifiers: ClinVar variation 367599 (VCV000367599.5), dbSNP rs561885351, ClinGen allele CA10630623.
Genomic context (GRCh38, chr9:95,101,114, plus strand): 5'-CTGATGTCCCAAGGGCCTTTTGGTAGCAGTTAGCATCATTTAGCAAATACAGAGTGGAAA[G>C]AGTGTGCCGGAGGCCCGGGCTTGGGTGTGCTGTCTGCTCCTGTGGCCTGTCAGGCAGGTC-3'